The following is an entry in ClinVar:

ClinVar aggregate classification (germline): Pathogenic/Likely pathogenic. Review status: criteria provided, multiple submitters, no conflicts (2 of 4 stars). 8 submissions from 8 submitters: Pathogenic (5); Likely pathogenic (1). 2 of the submissions do not count toward it. Last evaluated 2025-12-10.

Conditions:
Hereditary factor VIII deficiency disease (HEMA). Also called: AUTOSOMAL HEMOPHILIA A; HEMOPHILIA, CLASSIC; Hemophilia A; Hemophilia A, congenital; HEM A; Factor 8 deficiency, congenital. Identifiers: Orphanet 98878, MedGen C0019069, MONDO:0010602, OMIM 306700.

Allele frequency attached by ClinVar (database versions not stated): TOPMed 0.00008; ExAC 0.00001; gnomAD exomes below 0.00001.
gnomAD v4.1: 4 of 1,210,937 alleles (0.00033%); highest among the groups gnomAD compares: East Asian, 0.003%; no homozygotes.

Submissions (8):

3billion
Classification: Pathogenic for Hereditary factor VIII deficiency disease. Last evaluated: 2025-12-10. Review status: criteria provided, single submitter. Criteria: ACMG Guidelines, 2015. Collection method: clinical testing. Allele origin: germline. Affected: yes.
Comment: The variant is observed at an extremely low frequency in the gnomAD v4.1.0 dataset (total allele frequency: <0.001%). Predicted Consequence/Location: The variant is located in a mutational hot spot and/or well-established functional domain in which established pathogenic variants have been reported. In silico tool predictions suggest damaging effect of the variant on gene or gene product [REVEL: 0.88 (>=0.6, sensitivity 0.68 and specificity 0.92); 3Cnet: 0.99 (> 0.75, sensitivity 0.96 and precision 0.92)]. The same nucleotide change resulting in the same amino acid change has been previously reported as pathogenic/likely pathogenic with strong evidence (ClinVar ID: VCV000010318 /PMID: 1924291). Different missense changes at the same codon (p.Arg2178His, p.Arg2178Leu) have been reported as pathogenic/likely pathogenic with strong evidence (ClinVar ID: VCV000010314, VCV000010319 /PMID: 8547094). Therefore, this variant is classified as Pathogenic according to the recommendation of ACMG/AMP guideline.

OLLIN Analises Genomicas, OLLIN
Classification: Pathogenic for Hereditary factor VIII deficiency disease. Last evaluated: 2025-07-23. Review status: criteria provided, single submitter. Criteria: ACMG Guidelines 2015 PMID 25741868. Collection method: clinical testing. Allele origin: germline. Affected: yes. Observed: 1 variant allele.
Comment: The missense variant (chrX:154863125G>A), located in exon 23 (of 26) and absent in ClinVar, is reported in gnomAD v4.1 non-UKB with an allele frequency of 0.00044%, and in the scientific literature, also segregating with the phenotype, in several individuals with mild to moderate hemophilia (PMID: 38196513, 11754115, 17445092, 21771207, 7728145, 7728145, 18691168, 38783919, 36213555). In silico analysis predicts that this variant has a deleterious effect, and there are two other reported pathogenic variants that alter this same residue, but to a different amino acid (PMID: 7728145, 18691168 - ClinVar IDs: VCV000010314.4 and 10319). According to the currently available evidence, this variant has been classified as pathogenic (PS4_VS, PM5, PP1, PP3, PP4).

Mayo Clinic Laboratories, Mayo Clinic
Classification: Likely pathogenic. Last evaluated: 2024-04-10. Review status: criteria provided, single submitter. Criteria: ACMG Guidelines, 2015. Collection method: clinical testing. Allele origin: germline. Observed: 2 variant alleles.
Comment: PP1, PP3, PM1, PM2_moderate, PM5, PS4_moderate

New York Genome Center
Classification: Pathogenic for Hereditary factor VIII deficiency disease. Last evaluated: 2023-03-10. Review status: criteria provided, single submitter. Criteria: NYGC Assertion Criteria 2020. Collection method: clinical testing. Allele origin: inherited. Observed: 1 hemizygote. Study: PrenatalSEQ.
Comment: This variant is reported in ClinVar as Pathogenic (VarID:10318; 1 star, 3 submissions, no conflicts), and two different amino acid changes at the same amino acid position, p.Arg2178Leu (VarID:10314) and p.Arg2178His (VarID:10319) are also reported as Likely Pathogenic/Pathogenic. In silico algorithm REVEL predicts this variant to be damaging to protein function (Score: 0.875). Given the available evidence the hemizygous, maternally inherited c.6532C>T, p.(Arg2178Cys) variant identified in the F8 gene is reported as Pathogenic.

ARUP Laboratories, Molecular Genetics and Genomics, ARUP Laboratories
Classification: Pathogenic. Last evaluated: 2022-06-13. Review status: criteria provided, single submitter. Criteria: ARUP Molecular Germline Variant Investigation Process 2021. Collection method: clinical testing. Allele origin: germline.
Comment: The F8 c.6532C>T; p.Arg2178Cys variant (rs137852464), also known as R2159C, is reported in the literature in multiple individuals and families affected with mild to moderate hemophilia A (see link to FVIII database and references therein, Markoff 2009). This variant is also reported in ClinVar (Variation ID: 10318). It is absent from the Genome Aggregation Database, indicating it is not a common polymorphism. The arginine at codon 2178 is highly conserved, and computational analyses predict that this variant is deleterious (REVEL: 0.875). Additionally, other amino acid substitutions at this codon (Leu, His, Lys) have been reported in individuals with mild hemophilia A and are considered pathogenic (FVIII database, Markoff 2009). Based on available information, the p.Arg2178Cys variant is considered to be pathogenic. References: Link to FVIII database: Markoff A et al. Combined homology modelling and evolutionary significance evaluation of missense mutations in blood clotting factor VIII to highlight aspects of structure and function. Haemophilia. 2009 Jul;15(4):932-41. PMID: 19473423

Genetics and Molecular Pathology, SA Pathology
Classification: Pathogenic for Hereditary factor VIII deficiency disease. Last evaluated: 2021-10-27. Review status: criteria provided, single submitter. Criteria: ACMG Guidelines, 2015. Collection method: clinical testing. Allele origin: germline. Inheritance: X-linked recessive inheritance. Affected: yes.

Angelo Bianchi Bonomi Hemophilia and Thrombosis Center, Fondazione IRCCS Ca Granda Ospedale Maggiore Policlinico
Classification: Pathogenic for Hereditary factor VIII deficiency disease. Last evaluated: 2019-06-01. Review status: no assertion criteria provided. Collection method: clinical testing. Allele origin: germline. Affected: yes. Observed: 1 variant allele. Not counted in ClinVar's aggregate classification.

OMIM
Classification: Pathogenic for HEMOPHILIA A. Last evaluated: 1995-01-01. Review status: no assertion criteria provided. Collection method: literature only. Allele origin: germline. Not counted in ClinVar's aggregate classification.

Literature cited by the submitters: PubMed 8547094 (cited by 3billion and Angelo Bianchi Bonomi Hemophilia and Thrombosis Center, Fondazione IRCCS Ca Granda Ospedale Maggiore Policlinico); PubMed 1924291 (cited by 4 submitters); PubMed 38196513 (cited by OLLIN Analises Genomicas, OLLIN and Mayo Clinic Laboratories, Mayo Clinic); PubMed 11754115 (cited by OLLIN Analises Genomicas, OLLIN and New York Genome Center); PubMed 17445092 (cited by 3 submitters); PubMed 21771207 (cited by OLLIN Analises Genomicas, OLLIN and New York Genome Center); PubMed 7728145 (cited by OLLIN Analises Genomicas, OLLIN and OMIM); PubMed 18691168 (cited by OLLIN Analises Genomicas, OLLIN and Angelo Bianchi Bonomi Hemophilia and Thrombosis Center, Fondazione IRCCS Ca Granda Ospedale Maggiore Policlinico); PubMed 38783919 (cited by OLLIN Analises Genomicas, OLLIN); PubMed 36213555 (cited by OLLIN Analises Genomicas, OLLIN); PubMed 10910913 (cited by Mayo Clinic Laboratories, Mayo Clinic); PubMed 1301960 (cited by 3 submitters); PubMed 18400180 (cited by Mayo Clinic Laboratories, Mayo Clinic); PubMed 1923751 (cited by Mayo Clinic Laboratories, Mayo Clinic); PubMed 19473423 (cited by Mayo Clinic Laboratories, Mayo Clinic); PubMed 23926300 (cited by Mayo Clinic Laboratories, Mayo Clinic); PubMed 25824987 (cited by Mayo Clinic Laboratories, Mayo Clinic); PubMed 32166871 (cited by Mayo Clinic Laboratories, Mayo Clinic); PubMed 33706050 (cited by Mayo Clinic Laboratories, Mayo Clinic); PubMed 37937776 (cited by Mayo Clinic Laboratories, Mayo Clinic); PubMed 8449505 (cited by 3 submitters); PubMed 7579394 (cited by Angelo Bianchi Bonomi Hemophilia and Thrombosis Center, Fondazione IRCCS Ca Granda Ospedale Maggiore Policlinico); PubMed 11748850 (cited by Angelo Bianchi Bonomi Hemophilia and Thrombosis Center, Fondazione IRCCS Ca Granda Ospedale Maggiore Policlinico); PubMed 19719828 (cited by Angelo Bianchi Bonomi Hemophilia and Thrombosis Center, Fondazione IRCCS Ca Granda Ospedale Maggiore Policlinico); PubMed 11857744 (cited by Angelo Bianchi Bonomi Hemophilia and Thrombosis Center, Fondazione IRCCS Ca Granda Ospedale Maggiore Policlinico); PubMed 16769589 (cited by Angelo Bianchi Bonomi Hemophilia and Thrombosis Center, Fondazione IRCCS Ca Granda Ospedale Maggiore Policlinico); PubMed 1301932 (cited by Angelo Bianchi Bonomi Hemophilia and Thrombosis Center, Fondazione IRCCS Ca Granda Ospedale Maggiore Policlinico and OMIM); PubMed 12871415 (cited by Angelo Bianchi Bonomi Hemophilia and Thrombosis Center, Fondazione IRCCS Ca Granda Ospedale Maggiore Policlinico); PubMed 1908096 (cited by Angelo Bianchi Bonomi Hemophilia and Thrombosis Center, Fondazione IRCCS Ca Granda Ospedale Maggiore Policlinico); PubMed 16128892 (cited by Angelo Bianchi Bonomi Hemophilia and Thrombosis Center, Fondazione IRCCS Ca Granda Ospedale Maggiore Policlinico); PubMed 21462120 (cited by Angelo Bianchi Bonomi Hemophilia and Thrombosis Center, Fondazione IRCCS Ca Granda Ospedale Maggiore Policlinico); PubMed 17610560 (cited by Angelo Bianchi Bonomi Hemophilia and Thrombosis Center, Fondazione IRCCS Ca Granda Ospedale Maggiore Policlinico); PubMed 18565236 (cited by Angelo Bianchi Bonomi Hemophilia and Thrombosis Center, Fondazione IRCCS Ca Granda Ospedale Maggiore Policlinico); PubMed 8490618 (cited by Angelo Bianchi Bonomi Hemophilia and Thrombosis Center, Fondazione IRCCS Ca Granda Ospedale Maggiore Policlinico); PubMed 20102490 (cited by Angelo Bianchi Bonomi Hemophilia and Thrombosis Center, Fondazione IRCCS Ca Granda Ospedale Maggiore Policlinico); PubMed 9184393 (cited by Angelo Bianchi Bonomi Hemophilia and Thrombosis Center, Fondazione IRCCS Ca Granda Ospedale Maggiore Policlinico); PubMed 11554935 (cited by Angelo Bianchi Bonomi Hemophilia and Thrombosis Center, Fondazione IRCCS Ca Granda Ospedale Maggiore Policlinico); PubMed 10404764 (cited by Angelo Bianchi Bonomi Hemophilia and Thrombosis Center, Fondazione IRCCS Ca Granda Ospedale Maggiore Policlinico); PubMed 29296726 (cited by Angelo Bianchi Bonomi Hemophilia and Thrombosis Center, Fondazione IRCCS Ca Granda Ospedale Maggiore Policlinico); PubMed 16173970 (cited by Angelo Bianchi Bonomi Hemophilia and Thrombosis Center, Fondazione IRCCS Ca Granda Ospedale Maggiore Policlinico); PubMed 21883705 (cited by Angelo Bianchi Bonomi Hemophilia and Thrombosis Center, Fondazione IRCCS Ca Granda Ospedale Maggiore Policlinico).

NM_000132.4(F8):c.6532C>T (p.Arg2178Cys)

Gene: F8 (coagulation factor VIII; minus strand). Cytogenetic location: Xq28.
Variant type: single nucleotide variant.
Coding change: c.6532C>T on transcript NM_000132.4 (MANE Select); coding-DNA position 6532, C replaced by T.
Protein change: p.Arg2178Cys; replaces arginine 2178 with cysteine.
Molecular consequence: missense variant.
Genome position (GRCh38, 1-based): chrX:154,863,125, G>A on the plus strand (C>T on the coding strand, the complement: F8 is on the minus strand). VCF-style: chrX-154863125-G-A. GRCh37 (hg19) VCF-style: chrX-154091400-G-A.
Other names: F8, ARG2159CYS; R2159C; c.127C>T, p.Arg43Cys (NM_019863.3); short protein forms R2178C, R43C.
Identifiers: ClinVar variation 10318 (VCV000010318.18), dbSNP rs137852464, ClinGen allele CA255211.